The following is an entry in ClinVar:

NM_006009.4(TUBA1A):c.520G>C (p.Ala174Pro)

Gene: TUBA1A (tubulin alpha 1a; minus strand). Cytogenetic location: 12q13.12.
Variant type: single nucleotide variant.
Coding change: c.520G>C on transcript NM_006009.4 (MANE Select); coding-DNA position 520, G replaced by C.
Protein change: p.Ala174Pro; replaces alanine 174 with proline.
Molecular consequence: missense variant.
Genome position (GRCh38, 1-based): chr12:49,185,846, C>G on the plus strand (G>C on the coding strand, the complement: TUBA1A is on the minus strand). VCF-style: chr12-49185846-C-G. GRCh37 (hg19) VCF-style: chr12-49579629-C-G.
Other names: c.520G>C, p.Ala174Pro (NM_001270399.2); c.415G>C, p.Ala139Pro (NM_001270400.2); short protein forms A174P, A139P.
Identifiers: ClinVar variation 546297 (VCV000546297.2), dbSNP rs1555162392, ClinGen allele CA384642005.

ClinVar aggregate classification (germline): Likely pathogenic (1 of 4 stars; one submission).

Submission:

GeneDx
Classification: Likely pathogenic. Last evaluated: 2018-05-10. Review status: criteria provided, single submitter. Criteria: GeneDx Variant Classification (06012015). Collection method: clinical testing. Allele origin: germline. Affected: yes.
Comment: A variant that is likely pathogenic has been identified in the TUBA1A gene. The A174P variant has not been published as a pathogenic variant, nor has it been reported as a benign variant to our knowledge. The A174P variant is not observed in large population cohorts (Lek et al., 2016). The A174P variant is a semi-conservative amino acid substitution, which may impact secondary protein structure as these residues differ in some properties. In-silico analyses, including protein predictors and evolutionary conservation, support a deleterious effect. Therefore, this variant is likely pathogenic; however, the possibility that it is benign cannot be excluded.